The following is an entry in ClinVar:

ClinVar aggregate classification (germline): Uncertain significance. Review status: criteria provided, multiple submitters, no conflicts (2 of 4 stars). 2 submissions from 2 submitters: Uncertain significance (2). Last evaluated 2021-03-12.

Conditions:
Emery-Dreifuss muscular dystrophy 4, autosomal dominant (EDMD4). Also called: EMERY-DREIFUSS MUSCULAR DYSTROPHY 4 WITH VARIABLE FEATURES. Identifiers: Orphanet 261, MedGen C2751807, MONDO:0013071, OMIM 612998.
Autosomal recessive ataxia, Beauce type. Also called: SYNE1 Deficiency; Spinocerebellar ataxia, autosomal recessive 8; ATAXIA, RECESSIVE, OF BEAUCE; SYNE1-Related Autosomal Recessive Cerebellar Ataxia. Identifiers: Orphanet 88644, MedGen C1853116, MONDO:0012549, OMIM 610743.

gnomAD v4.1: 22 of 1,613,832 alleles (0.0014%); highest among the groups gnomAD compares: East Asian, 0.0022%; no homozygotes.

Submissions (2):

Labcorp Genetics (formerly Invitae), Labcorp
Classification: Uncertain significance for Emery-Dreifuss muscular dystrophy 4, autosomal dominant; Autosomal recessive ataxia, Beauce type. Last evaluated: 2021-03-12. Review status: criteria provided, single submitter. Criteria: Invitae Variant Classification Sherloc (09022015). Collection method: clinical testing. Allele origin: germline.
Comment: In summary, the available evidence is currently insufficient to determine the role of this variant in disease. Therefore, it has been classified as a Variant of Uncertain Significance. Algorithms developed to predict the effect of missense changes on protein structure and function (SIFT, PolyPhen-2, Align-GVGD) all suggest that this variant is likely to be disruptive, but these predictions have not been confirmed by published functional studies and their clinical significance is uncertain. This variant has not been reported in the literature in individuals with SYNE1-related conditions. ClinVar contains an entry for this variant (Variation ID: 501781). This variant is present in population databases (rs775685010, ExAC 0.009%). This sequence change replaces alanine with threonine at codon 5655 of the SYNE1 protein (p.Ala5655Thr). The alanine residue is highly conserved and there is a small physicochemical difference between alanine and threonine.

Eurofins Ntd Llc (ga)
Classification: Uncertain significance. Last evaluated: 2017-05-04. Review status: criteria provided, single submitter. Criteria: EGL Classification Definitions 2015. Collection method: clinical testing. Allele origin: germline. Observed: 2 variant alleles, 2 heterozygotes.

NM_182961.4(SYNE1):c.17176G>A (p.Ala5726Thr)

Genes: SYNE1 (spectrin repeat containing nuclear envelope protein 1; minus strand), LOC126859837 (BRD4-independent group 4 enhancer GRCh37_chr6:152630775-152631974; plus strand). Cytogenetic location: 6q25.2.
Variant type: single nucleotide variant.
Coding change: c.17176G>A on transcript NM_182961.4 (MANE Select); coding-DNA position 17176, G replaced by A.
Protein change: p.Ala5726Thr; replaces alanine 5726 with threonine.
Molecular consequence: missense variant.
Genome position (GRCh38, 1-based): chr6:152,309,861, C>T on the plus strand (G>A on the coding strand, the complement: SYNE1 is on the minus strand). VCF-style: chr6-152309861-C-T. GRCh37 (hg19) VCF-style: chr6-152630996-C-T.
Other names: c.16963G>A, p.Ala5655Thr (NM_033071.5); short protein forms A5655T, A5726T.
Identifiers: ClinVar variation 501781 (VCV000501781.13), dbSNP rs775685010, ClinGen allele CA4055324.